The following is an entry in ClinVar:

ClinVar aggregate classification (germline): Uncertain significance. Review status: criteria provided, multiple submitters, no conflicts (2 of 4 stars). 2 submissions from 2 submitters: Uncertain significance (2). Last evaluated 2023-08-11.

Conditions:
Cardiovascular phenotype. Identifiers: MedGen CN230736.

Allele frequency attached by ClinVar (database versions not stated): 1000 Genomes Project 30x 0.00016; 1000 Genomes Project 0.00020.
gnomAD v4.1: 63 of 1,586,004 alleles (0.004%); highest among the groups gnomAD compares: Middle Eastern, 0.017%; no homozygotes.

Submissions (2):

Ambry Genetics
Classification: Uncertain significance for Cardiovascular phenotype. Last evaluated: 2023-08-11. Review status: criteria provided, single submitter. Criteria: Ambry Variant Classification Scheme 2023. Collection method: clinical testing. Allele origin: germline.
Comment: The p.V224M variant (also known as c.670G>A), located in coding exon 4 of the EPHB4 gene, results from a G to A substitution at nucleotide position 670. The valine at codon 224 is replaced by methionine, an amino acid with highly similar properties. This amino acid position is conserved. In addition, the in silico prediction for this alteration is inconclusive. Since supporting evidence is limited at this time, the clinical significance of this alteration remains unclear.

GeneDx
Classification: Uncertain significance. Last evaluated: 2023-04-21. Review status: criteria provided, single submitter. Criteria: GeneDx Variant Classification Process June 2021. Collection method: clinical testing. Allele origin: germline. Affected: yes.
Comment: In silico analysis supports that this missense variant does not alter protein structure/function; Has not been previously published as pathogenic or benign to our knowledge

NM_004444.5(EPHB4):c.670G>A (p.Val224Met)

Gene: EPHB4 (EPH receptor B4; minus strand). Cytogenetic location: 7q22.1.
Variant type: single nucleotide variant.
Coding change: c.670G>A on transcript NM_004444.5 (MANE Select); coding-DNA position 670, G replaced by A.
Protein change: p.Val224Met; replaces valine 224 with methionine.
Molecular consequence: missense variant.
Genome position (GRCh38, 1-based): chr7:100,822,409, C>T on the plus strand (G>A on the coding strand, the complement: EPHB4 is on the minus strand). VCF-style: chr7-100822409-C-T. GRCh37 (hg19) VCF-style: chr7-100420031-C-T.
Other names: short protein forms V224M.
Identifiers: ClinVar variation 2554194 (VCV002554194.3), dbSNP rs542686005, ClinGen allele CA4393237.